The following is an entry in ClinVar:

NM_004525.3(LRP2):c.5584G>A (p.Ala1862Thr)

Gene: LRP2 (LDL receptor related protein 2; minus strand). Cytogenetic location: 2q31.1.
Variant type: single nucleotide variant.
Coding change: c.5584G>A on transcript NM_004525.3 (MANE Select); coding-DNA position 5584, G replaced by A.
Protein change: p.Ala1862Thr; replaces alanine 1862 with threonine.
Molecular consequence: missense variant.
Genome position (GRCh38, 1-based): chr2:169,220,518, C>T on the plus strand (G>A on the coding strand, the complement: LRP2 is on the minus strand). VCF-style: chr2-169220518-C-T. GRCh37 (hg19) VCF-style: chr2-170077028-C-T.
Other names: short protein forms A1862T.
Identifiers: ClinVar variation 2102896 (VCV002102896.1), dbSNP rs909272392, ClinGen allele CA59905538.
Genomic context (GRCh38, chr2:169,220,518, plus strand): 5'-GAGCAGGATCAACAGTTATGCCAATTGGAAAGCCAACTCCAAGAGCTGTCCCATCATTGG[C>T]AATCAATGTTTTTCTGTATCTGATATCTCCGTGGAGTGTCAAAACCTATAGCATAAAATC-3'
Protein context (NP_004516.2, residues 1852-1872): GDIRYRKTLI[Ala1862Thr]NDGTALGVGF

ClinVar aggregate classification (germline): Uncertain significance (1 of 4 stars; one submission).

Allele frequency attached by ClinVar (database versions not stated): TOPMed below 0.00001.

Submission:

Labcorp Genetics (formerly Invitae), Labcorp
Classification: Uncertain significance. Last evaluated: 2022-08-19. Review status: criteria provided, single submitter. Criteria: Invitae Variant Classification Sherloc (09022015). Collection method: clinical testing. Allele origin: germline.
Comment: This sequence change replaces alanine, which is neutral and non-polar, with threonine, which is neutral and polar, at codon 1862 of the LRP2 protein (p.Ala1862Thr). This variant is not present in population databases (gnomAD no frequency). This variant has not been reported in the literature in individuals affected with LRP2-related conditions. Advanced modeling of protein sequence and biophysical properties (such as structural, functional, and spatial information, amino acid conservation, physicochemical variation, residue mobility, and thermodynamic stability) performed at Invitae indicates that this missense variant is not expected to disrupt LRP2 protein function. In summary, the available evidence is currently insufficient to determine the role of this variant in disease. Therefore, it has been classified as a Variant of Uncertain Significance.